The following is an entry in ClinVar:

NM_006035.4(CDC42BPB):c.5083dup (p.His1695fs)

Gene: CDC42BPB (CDC42 binding protein kinase beta; minus strand). Cytogenetic location: 14q32.32.
Variant type: Duplication.
Coding change: c.5083dup on transcript NM_006035.4 (MANE Select); coding-DNA position 5083, one base duplicated (C; older notation c.5083dupC).
Protein change: p.His1695fs; shifts the reading frame from histidine 1695.
Molecular consequence: frameshift variant.
Genome position (GRCh38, 1-based): chr14:102,933,765, G duplicated on the plus strand (C on the coding strand, the reverse complement: CDC42BPB is on the minus strand); the first of 6 consecutive G bases (chr14:102,933,765-102,933,770); duplicating any one gives the same sequence. VCF-style (leftmost placement, unchanged base first): chr14-102933764-T-TG. GRCh37 (hg19) VCF-style: chr14-103400101-T-TG.
Other names: c.5000dup, p.His1669Profs (NM_001411054.1); short protein forms H1695fs.
Identifiers: ClinVar variation 1722415 (VCV001722415.1), dbSNP rs780343468, ClinGen allele CA7360169.

ClinVar aggregate classification (germline): Uncertain significance (1 of 4 stars; one submission).

Submission:

Women's Health and Genetics/Laboratory Corporation of America, LabCorp
Classification: Uncertain significance. Last evaluated: 2022-09-08. Review status: criteria provided, single submitter. Criteria: LabCorp Variant Classification Summary - May 2015. Collection method: clinical testing. Allele origin: germline.
Comment: Variant summary: CDC42BPB c.5083dupC (p.His1695ProfsX16) results in a premature termination codon in the last exon of the protein, predicted to cause a truncation of the encoded protein or absence of the protein due to nonsense mediated decay. Truncations downstream of this position have not been reported in HGMD or ClinVar. The variant allele was found at a frequency of 1.6e-05 in 127116 control chromosomes. To our knowledge, no occurrence of c.5083dupC in individuals affected with Chilton-Okur Neurodevelopmental Syndrome and no experimental evidence demonstrating its impact on protein function have been reported. No clinical diagnostic laboratories have submitted clinical-significance assessments for this variant to ClinVar after 2014. Based on the evidence outlined above, the variant was classified as VUS.